The following is an entry in ClinVar:

ClinVar aggregate classification (germline): Uncertain significance (1 of 4 stars; one submission).

Conditions:
Ulnar-mammary syndrome (UMS). Also called: Ulnar-mammary syndrome of Pallister; PALLISTER ULNAR-MAMMARY SYNDROME; SCHINZEL SYNDROME. Identifiers: Orphanet 3138, MedGen C1866994, MONDO:0008411, OMIM 181450.

gnomAD v4.1: 1 of 1,529,822 alleles (0.000065%); highest among the groups gnomAD compares: Admixed American, 0.0021%; no homozygotes.

Submission:

Labcorp Genetics (formerly Invitae), Labcorp
Classification: Uncertain significance for Ulnar-mammary syndrome. Last evaluated: 2024-06-22. Review status: criteria provided, single submitter. Criteria: Invitae Variant Classification Sherloc (09022015). Collection method: clinical testing. Allele origin: germline.
Comment: This sequence change replaces glutamic acid, which is acidic and polar, with glutamine, which is neutral and polar, at codon 449 of the TBX3 protein (p.Glu449Gln). This variant is not present in population databases (gnomAD no frequency). This variant has not been reported in the literature in individuals affected with TBX3-related conditions. An algorithm developed to predict the effect of missense changes on protein structure and function (PolyPhen-2) suggests that this variant is likely to be disruptive. In summary, the available evidence is currently insufficient to determine the role of this variant in disease. Therefore, it has been classified as a Variant of Uncertain Significance.

NM_005996.4(TBX3):c.1345G>C (p.Glu449Gln)

Gene: TBX3 (T-box transcription factor 3; minus strand). Cytogenetic location: 12q24.21.
Variant type: single nucleotide variant.
Coding change: c.1345G>C on transcript NM_005996.4 (MANE Select); coding-DNA position 1345, G replaced by C.
Protein change: p.Glu449Gln; replaces glutamic acid 449 with glutamine.
Molecular consequence: missense variant.
Genome position (GRCh38, 1-based): chr12:114,674,530, C>G on the plus strand (G>C on the coding strand, the complement: TBX3 is on the minus strand). VCF-style: chr12-114674530-C-G. GRCh37 (hg19) VCF-style: chr12-115112335-C-G.
Other names: c.1405G>C, p.Glu469Gln (NM_016569.4); short protein forms E449Q, E469Q.
Identifiers: ClinVar variation 3615236 (VCV003615236.2).
Genomic context (GRCh38, chr12:114,674,530, plus strand): 5'-CCGCGTCCGTCTGCACCGTGAGCGGCGCGAAGGCCTCCTTGCCCGGGAGCGCGCGCGCCT[C>G]TTCCACCTTGGCCGGCGCTGTGCCCTCGCGAACCGGGCTCCTGCGCTCCTCCGCGCCCAG-3'
Protein context (NP_005987.3, residues 439-459): REGTAPAKVE[Glu449Gln]ARALPGKEAF